The following is an entry in ClinVar:

ClinVar aggregate classification (germline): Uncertain significance. Review status: criteria provided, multiple submitters, no conflicts (2 of 4 stars). 5 submissions from 5 submitters: Uncertain significance (5). Last evaluated 2026-06-30.

Conditions:
TTN-related disorder. Also called: TTN-related disorders; TTN-related condition; TTN-related disease.
Cardiovascular phenotype. Identifiers: MedGen CN230736.

Allele frequency attached by ClinVar (database versions not stated): ExAC 0.00002; gnomAD 0.00002 and 0.00003; gnomAD exomes 0.00002; TOPMed 0.00003; ESP Exome Variant Server 0.00008.
gnomAD v4.1: 34 of 1,613,430 alleles (0.0021%); highest among the groups gnomAD compares: Non-Finnish European, 0.0026%; no homozygotes.

Submissions (5):

PreventionGenetics, part of Exact Sciences
Classification: Uncertain significance for TTN-related condition. Last evaluated: 2026-06-30. Review status: criteria provided, single submitter. Criteria: ACMG Guidelines, 2015. Collection method: clinical testing. Allele origin: germline.
Comment: The TTN c.81029T>C variant is predicted to result in the amino acid substitution p.Val27010Ala. To our knowledge, this variant has not been reported in the literature. This variant is reported in 0.0053% of alleles in individuals of European (Non-Finnish) descent in gnomAD. At this time, the clinical significance of this variant is uncertain due to the absence of conclusive functional and genetic evidence.

Revvity Omics, Revvity
Classification: Uncertain significance. Last evaluated: 2024-11-19. Review status: criteria provided, single submitter. Criteria: ACMG Guidelines, 2015. Collection method: clinical testing. Allele origin: germline.

Women's Health and Genetics/Laboratory Corporation of America, LabCorp
Classification: Uncertain significance. Last evaluated: 2022-10-09. Review status: criteria provided, single submitter. Criteria: LabCorp Variant Classification Summary - May 2015. Collection method: clinical testing. Allele origin: germline.

CeGaT Center for Human Genetics Tuebingen
Classification: Uncertain significance. Last evaluated: 2019-07-01. Review status: criteria provided, single submitter. Criteria: CeGaT Center For Human Genetics Tuebingen Variant Classification Criteria Version 2. Collection method: clinical testing. Allele origin: germline. Affected: yes. Observed: 1 variant allele.

Ambry Genetics
Classification: Uncertain significance for Cardiovascular phenotype. Last evaluated: 2018-08-27. Review status: criteria provided, single submitter. Criteria: Ambry Variant Classification Scheme 2023. Collection method: clinical testing. Allele origin: germline.
Comment: The p.V17945A variant (also known as c.53834T>C), located in coding exon 153 of the TTN gene, results from a T to C substitution at nucleotide position 53834. The valine at codon 17945 is replaced by alanine, an amino acid with similar properties. This amino acid position is highly conserved in available vertebrate species. In addition, the in silico prediction for this alteration is inconclusive. Since supporting evidence is limited at this time, the clinical significance of this alteration remains unclear.

NM_001267550.2(TTN):c.81029T>C (p.Val27010Ala)

Genes: TTN (titin; minus strand), TTN-AS1 (TTN antisense RNA 1; plus strand). Cytogenetic location: 2q31.2.
Variant type: single nucleotide variant.
Coding change: c.81029T>C on transcript NM_001267550.2 (MANE Select); coding-DNA position 81029, T replaced by C.
Protein change: p.Val27010Ala; replaces valine 27010 with alanine.
Molecular consequence: missense variant.
Genome position (GRCh38, 1-based): chr2:178,565,103, A>G on the plus strand (T>C on the coding strand, the complement: TTN is on the minus strand). VCF-style: chr2-178565103-A-G. GRCh37 (hg19) VCF-style: chr2-179429830-A-G.
Other names: c.76106T>C, p.Val25369Ala (NM_001256850.1); c.53834T>C, p.Val17945Ala (NM_003319.4); c.73325T>C, p.Val24442Ala (NM_133378.4); c.54209T>C, p.Val18070Ala (NM_133432.3); c.54410T>C, p.Val18137Ala (NM_133437.4); short protein forms V18137A, V17945A, V18070A, V27010A, V24442A, V25369A.
Identifiers: ClinVar variation 871996 (VCV000871996.46), dbSNP rs369235214, ClinGen allele CA1989260.